The following is an entry in ClinVar:

NM_005045.4(RELN):c.48G>T (p.Leu16Phe)

Gene: RELN (reelin; minus strand). Cytogenetic location: 7q22.1.
Variant type: single nucleotide variant.
Coding change: c.48G>T on transcript NM_005045.4 (MANE Select); coding-DNA position 48, G replaced by T.
Protein change: p.Leu16Phe; replaces leucine 16 with phenylalanine.
Molecular consequence: missense variant.
Genome position (GRCh38, 1-based): chr7:103,989,309, C>A on the plus strand (G>T on the coding strand, the complement: RELN is on the minus strand). VCF-style: chr7-103989309-C-A. GRCh37 (hg19) VCF-style: chr7-103629756-C-A.
Other names: c.48G>T, p.Leu16Phe (NM_173054.3); short protein forms L16F.
Identifiers: ClinVar variation 1803322 (VCV001803322.2), dbSNP rs1563128080, ClinGen allele CA368931572.

ClinVar aggregate classification (germline): Uncertain significance. Review status: criteria provided, multiple submitters, no conflicts (2 of 4 stars). 2 submissions from 2 submitters: Uncertain significance (2). Last evaluated 2023-08-23.

Allele frequency attached by ClinVar (database versions not stated): gnomAD exomes below 0.00001.
gnomAD v4.1: 1 of 1,598,938 alleles (0.000063%); highest among the groups gnomAD compares: Admixed American, 0.0017%; no homozygotes.

Submissions (2):

Women's Health and Genetics/Laboratory Corporation of America, LabCorp
Classification: Uncertain significance. Last evaluated: 2023-08-23. Review status: criteria provided, single submitter. Criteria: LabCorp Variant Classification Summary - May 2015. Collection method: clinical testing. Allele origin: germline.
Comment: Variant summary: RELN c.48G>T (p.Leu16Phe) results in a non-conservative amino acid change in the encoded protein sequence. Four of five in-silico tools predict a benign effect of the variant on protein function. The variant allele was found at a frequency of 4.1e-06 in 241898 control chromosomes (gnomAD). The available data on variant occurrences in the general population are insufficient to allow any conclusion about variant significance. To our knowledge, no occurrence of c.48G>T in individuals affected with Epilepsy Familial Temporal Lobe 7 and no experimental evidence demonstrating its impact on protein function have been reported. One submitter has cited clinical-significance assessments for this variant to ClinVar after 2014 and has classified the variant as uncertain significance. Based on the evidence outlined above, the variant was classified as uncertain significance.

GeneDx
Classification: Uncertain significance. Last evaluated: 2022-06-10. Review status: criteria provided, single submitter. Criteria: GeneDx Variant Classification Process June 2021. Collection method: clinical testing. Allele origin: germline. Affected: yes.
Comment: Not observed at significant frequency in large population cohorts (gnomAD); In silico analysis supports that this missense variant does not alter protein structure/function; Has not been previously published as pathogenic or benign to our knowledge